The following is an entry in ClinVar:

ClinVar aggregate classification (germline): Conflicting classifications of pathogenicity. Review status: criteria provided, conflicting classifications (1 of 4 stars). 6 submissions from 6 submitters: Uncertain significance (4); Likely benign (1). 1 of the submissions does not count toward it. Last evaluated 2026-01-13.

Conditions:
Hereditary cancer-predisposing syndrome. Also called: Tumor predisposition; Neoplastic Syndromes, Hereditary; Hereditary neoplastic syndrome; Hereditary Cancer Syndrome. Identifiers: Orphanet 140162, MedGen C0027672, MeSH D009386, MONDO:0015356.
Hereditary breast ovarian cancer syndrome. Also called: Hereditary breast and ovarian cancer; Hereditary breast and ovarian cancer syndrome (HBOC); Hereditary breast and/or ovarian cancer syndrome; Breast and ovarian cancer; Hereditary breast and ovarian cancer syndrome; BRCA1- and BRCA2-Associated Hereditary Breast and Ovarian Cancer. Identifiers: Orphanet 145, MedGen C0677776, MeSH D061325, MONDO:0003582. Disease mechanism: loss of function.
Breast-ovarian cancer, familial, susceptibility to, 2 (BROVCA2). Also called: BRCA2 Hereditary Breast and Ovarian Cancer. Identifiers: Orphanet 145, MedGen C2675520, MONDO:0012933, OMIM 612555. Disease mechanism: loss of function.

gnomAD v4.1: 1 of 1,591,548 alleles (0.000063%); highest among the groups gnomAD compares: Non-Finnish European, 0.000085%; no homozygotes.

Submissions (6):

Labcorp Genetics (formerly Invitae), Labcorp
Classification: Uncertain significance for Hereditary breast ovarian cancer syndrome. Last evaluated: 2026-01-13. Review status: criteria provided, single submitter. Criteria: Invitae Variant Classification Sherloc (09022015). Collection method: clinical testing. Allele origin: germline.
Comment: This sequence change replaces glutamic acid, which is acidic and polar, with glycine, which is neutral and non-polar, at codon 1695 of the BRCA2 protein (p.Glu1695Gly). This variant is not present in population databases (gnomAD no frequency). This variant has not been reported in the literature in individuals affected with BRCA2-related conditions. ClinVar contains an entry for this variant (Variation ID: 37945). Invitae Evidence Modeling of protein sequence and biophysical properties (such as structural, functional, and spatial information, amino acid conservation, physicochemical variation, residue mobility, and thermodynamic stability) indicates that this missense variant is not expected to disrupt BRCA2 protein function with a negative predictive value of 95%. In summary, the available evidence is currently insufficient to determine the role of this variant in disease. Therefore, it has been classified as a Variant of Uncertain Significance.

Ambry Genetics
Classification: Uncertain significance for Hereditary cancer-predisposing syndrome. Last evaluated: 2024-09-09. Review status: criteria provided, single submitter. Criteria: Ambry Variant Classification Scheme 2023. Collection method: clinical testing. Allele origin: germline.
Comment: The p.E1695G variant (also known as c.5084A>G), located in coding exon 10 of the BRCA2 gene, results from an A to G substitution at nucleotide position 5084. The glutamic acid at codon 1695 is replaced by glycine, an amino acid with similar properties. This amino acid position is highly conserved in available vertebrate species. In addition, the in silico prediction for this alteration is inconclusive. Since supporting evidence is limited at this time, the clinical significance of this alteration remains unclear.

University of Washington Department of Laboratory Medicine, University of Washington
Classification: Likely benign for Hereditary cancer-predisposing syndrome. Last evaluated: 2023-03-23. Review status: criteria provided, single submitter. Criteria: Dines et al. (Genet Med. 2020). Collection method: curation. Allele origin: germline.
Comment: Missense variant in a coldspot region where missense variants are very unlikely to be pathogenic (PMID:31911673).

BRCA2 exon 11 coldspot. Reclassification based on statistical prior probability.

Color Diagnostics, LLC DBA Color Health
Classification: Uncertain significance for Hereditary cancer-predisposing syndrome. Last evaluated: 2021-08-31. Review status: criteria provided, single submitter. Criteria: ACMG Guidelines, 2015. Collection method: clinical testing. Allele origin: germline.
Comment: This missense variant replaces glutamic acid with glycine at codon 1695 of the BRCA2 protein. Computational prediction suggests that this variant may not impact protein structure and function (internally defined REVEL score threshold <= 0.5, PMID: 27666373). To our knowledge, functional studies have not been reported for this variant. This variant has been detected in an individual affected with breast cancer (PMID: 33471991; Leiden Open Variation Database DB-ID BRCA2_008295). This variant has not been identified in the general population by the Genome Aggregation Database (gnomAD). The available evidence is insufficient to determine the role of this variant in disease conclusively. Therefore, this variant is classified as a Variant of Uncertain Significance.

Eurofins Ntd Llc (ga)
Classification: Uncertain significance. Last evaluated: 2014-09-30. Review status: criteria provided, single submitter. Criteria: EGL Classification Definitions 2015. Collection method: clinical testing. Allele origin: germline. Observed: 1 variant allele, 1 heterozygote.

Sharing Clinical Reports Project (SCRP)
Classification: Uncertain significance for Breast-ovarian cancer, familial 2. Last evaluated: 2010-12-22. Review status: no assertion criteria provided. Collection method: clinical testing. Allele origin: germline. Not counted in ClinVar's aggregate classification.

Literature cited by the submitters: PubMed 33471991 (cited by Color Diagnostics, LLC DBA Color Health).

NM_000059.4(BRCA2):c.5084A>G (p.Glu1695Gly)

Gene: BRCA2 (BRCA2 DNA repair associated; plus strand). Cytogenetic location: 13q13.1.
Variant type: single nucleotide variant.
Coding change: c.5084A>G on transcript NM_000059.4 (MANE Select); coding-DNA position 5084, A replaced by G.
Protein change: p.Glu1695Gly; replaces glutamic acid 1695 with glycine.
Molecular consequence: missense variant.
Genome position (GRCh38, 1-based): chr13:32,339,439, A>G. VCF-style: chr13-32339439-A-G. GRCh37 (hg19) VCF-style: chr13-32913576-A-G.
Other names: 5312A>G; short protein forms E1695G.
Identifiers: ClinVar variation 37945 (VCV000037945.20), dbSNP rs397507347, ClinGen allele CA021226.
Genomic context (GRCh38, chr13:32,339,439, plus strand): 5'-GTAGTAGAAAAACTTCTGTGAGTCAGACTTCATTACTTGAAGCAAAAAAATGGCTTAGAG[A>G]AGGAATATTTGATGGTCAACCAGAAAGAATAAATACTGCAGATTATGTAGGAAATTATTT-3'
Protein context (NP_000050.3, residues 1685-1705): SLLEAKKWLR[Glu1695Gly]GIFDGQPERI